The following is an entry in ClinVar:

NM_001943.5(DSG2):c.2965_2967dup (p.Glu989_Arg990insGlu)

Genes: DSG2 (desmoglein 2; plus strand), DSG2-AS1 (DSG2 antisense RNA 1; minus strand). Cytogenetic location: 18q12.1.
Variant type: Duplication.
Coding change: c.2965_2967dup on transcript NM_001943.5 (MANE Select); coding-DNA positions 2965 to 2967, 3 bases duplicated (GAA; older notation c.2965_2967dupGAA).
Protein change: p.Glu989_Arg990insGlu.
Genome position (GRCh38, 1-based): chr18:31,546,351-31,546,353, GAA duplicated. VCF-style (leftmost placement, unchanged base first): chr18-31546350-T-TGAA. GRCh37 (hg19) VCF-style: chr18-29126313-T-TGAA.
Identifiers: ClinVar variation 3690444 (VCV003690444.2).

ClinVar aggregate classification (germline): Uncertain significance (1 of 4 stars; one submission).

Conditions:
Arrhythmogenic right ventricular dysplasia 10. Also called: Arrhythmogenic Right Ventricular Dysplasia/Cardiomyopathy10; ARRHYTHMOGENIC RIGHT VENTRICULAR DYSPLASIA, FAMILIAL, 10; Arrhythmogenic right ventricular dysplasia/cardiomyopathy, type 10. Identifiers: MedGen C1857777, MONDO:0012434, OMIM 610193.

Submission:

Labcorp Genetics (formerly Invitae), Labcorp
Classification: Uncertain significance for Arrhythmogenic right ventricular dysplasia 10. Last evaluated: 2024-06-30. Review status: criteria provided, single submitter. Criteria: Invitae Variant Classification Sherloc (09022015). Collection method: clinical testing. Allele origin: germline.
Comment: This variant, c.2965_2967dup, results in the insertion of 1 amino acid(s) of the DSG2 protein (p.Glu989dup), but otherwise preserves the integrity of the reading frame. This variant is not present in population databases (gnomAD no frequency). This variant has not been reported in the literature in individuals affected with DSG2-related conditions. In summary, the available evidence is currently insufficient to determine the role of this variant in disease. Therefore, it has been classified as a Variant of Uncertain Significance.